The following is an entry in ClinVar:

ClinVar aggregate classification (germline): Uncertain significance (1 of 4 stars; one submission).

Submission:

Women's Health and Genetics/Laboratory Corporation of America, LabCorp
Classification: Uncertain significance. Last evaluated: 2024-03-25. Review status: criteria provided, single submitter. Criteria: LabCorp Variant Classification Summary - May 2015. Collection method: clinical testing. Allele origin: germline.
Comment: Variant summary: DLL1 c.-17G>A is located in the untranslated mRNA region upstream of the initiation codon. The frequency data for this variant in gnomAD is considered unreliable, as metrics indicate poor data quality at this position. To our knowledge, no occurrence of c.-17G>A in individuals affected with Neurodevelopmental Disorder With Nonspecific Brain Abnormalities And With Or Without Seizures and no experimental evidence demonstrating its impact on protein function have been reported. No submitters have cited clinical-significance assessments for this variant to ClinVar. Based on the evidence outlined above, the variant was classified as uncertain significance.

NM_005618.4(DLL1):c.-17G>A

Gene: DLL1 (delta like canonical Notch ligand 1; minus strand). Cytogenetic location: 6q27.
Variant type: single nucleotide variant.
Coding change: c.-17G>A on transcript NM_005618.4 (MANE Select); 17 bases upstream of the start codon, G replaced by A.
Molecular consequence: 5 prime UTR variant.
Genome position (GRCh38, 1-based): chr6:170,290,156, C>T on the plus strand (G>A on the coding strand, the complement: DLL1 is on the minus strand). VCF-style: chr6-170290156-C-T. GRCh37 (hg19) VCF-style: chr6-170599244-C-T.
Identifiers: ClinVar variation 3233791 (VCV003233791.2), dbSNP rs746428604, ClinGen allele CA2681300573.
Genomic context (GRCh38, chr6:170,290,156, plus strand): 5'-AAGGCCGAGAGCACCGCCAGGGCCAGCGCGCACCGACTGCCCATGCTGCTTCGCTCCACG[C>T]GCGAGCCTGGGGGGCCCCCACTTCTCTCCTTAGAACAGCGGCGGACGCGCGGGGGATCGA-3'